The following is an entry in ClinVar:

NM_000391.4(TPP1):c.1146-2A>T

Gene: TPP1 (tripeptidyl peptidase 1; minus strand). Cytogenetic location: 11p15.4.
Variant type: single nucleotide variant.
Coding change: c.1146-2A>T on transcript NM_000391.4 (MANE Select); the canonical splice acceptor site of the intron before coding-DNA position 1146, A replaced by T.
Molecular consequence: splice acceptor variant.
Genome position (GRCh38, 1-based): chr11:6,615,564, T>A on the plus strand (A>T on the coding strand, the complement: TPP1 is on the minus strand). VCF-style: chr11-6615564-T-A. GRCh37 (hg19) VCF-style: chr11-6636795-T-A.
Identifiers: ClinVar variation 5003778 (VCV005003778.1).
Genomic context (GRCh38, chr11:6,615,564, plus strand): 5'-CATTTGTGATGAGGAAAGGTTCCTGGAAGGATGTGCCTCCCACTGTGGTGACATAGGGGC[T>A]GAGGGGAGAAGACAGCATTTGGATAGTAGGGGACCCAAGGGGACCTCCAAGATATGTGGG-3'

ClinVar aggregate classification (germline): Likely pathogenic (1 of 4 stars; one submission).

Conditions:
Neuronal ceroid lipofuscinosis 2. Also called: JANSKY-BIELSCHOWSKY DISEASE NEURONAL CEROID LIPOFUSCINOSIS, LATE INFANTILE; TPP1-Related Neuronal Ceroid-Lipofuscinosis. Identifiers: Orphanet 168491, Orphanet 228349, Orphanet 79264, MedGen C1876161, MONDO:0008769, OMIM 204500.

Submission:

Myriad Genetics, Inc.
Classification: Likely pathogenic for Neuronal ceroid lipofuscinosis 2. Last evaluated: 2026-07-13. Review status: criteria provided, single submitter. Criteria: Myriad Autosomal Dominant, Autosomal Recessive and X-Linked Classification Criteria (2023). Collection method: clinical testing. Allele origin: unknown.
Comment: NM_000391.3(TPP1):c.1146-2A>T is a variant in a canonical splice site classified as likely pathogenic in the context of TPP1-related neuronal ceroid lipofuscinosis. c.1146-2A>T has not been observed in cases with relevant disease. Relevant functional assessments of this variant are not available in the literature. c.1146-2A>T has not been observed in referenced population frequency databases. In summary, NM_000391.3(TPP1):c.1146-2A>T is a variant in a canonical splice site in a gene where loss of function is a known mechanism of disease and is predicted to disrupt protein function. Please note: this variant was assessed in the context of healthy population screening.